The following is an entry in ClinVar:

NM_006648.4(WNK2):c.464A>G (p.Asp155Gly)

Gene: WNK2 (WNK lysine deficient protein kinase 2; plus strand). Cytogenetic location: 9q22.31.
Variant type: single nucleotide variant.
Coding change: c.464A>G on transcript NM_006648.4 (MANE Select); coding-DNA position 464, A replaced by G.
Protein change: p.Asp155Gly; replaces aspartic acid 155 with glycine.
Molecular consequence: missense variant.
Genome position (GRCh38, 1-based): chr9:93,185,393, A>G. VCF-style: chr9-93185393-A-G. GRCh37 (hg19) VCF-style: chr9-95947675-A-G.
Other names: c.464A>G, p.Asp155Gly (NM_001282394.3); short protein forms D155G.
Identifiers: ClinVar variation 3470333 (VCV003470333.1).

ClinVar aggregate classification (germline): Uncertain significance (1 of 4 stars; one submission).

gnomAD v4.1: 6 of 1,600,448 alleles (0.00037%); highest among the groups gnomAD compares: Non-Finnish European, 0.00051%; no homozygotes.

Submission:

Ambry Genetics
Classification: Uncertain significance. Last evaluated: 2024-11-22. Review status: criteria provided, single submitter. Criteria: Ambry Variant Classification Scheme 2023. Collection method: clinical testing. Allele origin: germline.
Comment: The p.D155G variant (also known as c.464A>G), located in coding exon 1 of the WNK2 gene, results from an A to G substitution at nucleotide position 464. The aspartic acid at codon 155 is replaced by glycine, an amino acid with similar properties. This amino acid position is conserved. In addition, this alteration is predicted to be tolerated by in silico analysis. Based on the available evidence, the clinical significance of this variant remains unclear.